The following is an entry in ClinVar:

NM_213599.3(ANO5):c.2056T>G (p.Phe686Val)

Gene: ANO5 (anoctamin 5; plus strand). Cytogenetic location: 11p14.3.
Variant type: single nucleotide variant.
Coding change: c.2056T>G on transcript NM_213599.3 (MANE Select); coding-DNA position 2056, T replaced by G.
Protein change: p.Phe686Val; replaces phenylalanine 686 with valine.
Molecular consequence: missense variant.
Genome position (GRCh38, 1-based): chr11:22,272,810, T>G. VCF-style: chr11-22272810-T-G. GRCh37 (hg19) VCF-style: chr11-22294356-T-G.
Other names: c.2053T>G, p.Phe685Val (NM_001142649.2); short protein forms F686V, F685V.
Identifiers: ClinVar variation 536725 (VCV000536725.9), dbSNP rs1554934237, ClinGen allele CA379923628.

ClinVar aggregate classification (germline): Uncertain significance (1 of 4 stars; one submission).

Conditions:
Gnathodiaphyseal dysplasia (GDD). Also called: GNATHODIAPHYSEAL SCLEROSIS; OSTEOGENESIS IMPERFECTA WITH UNUSUAL SKELETAL LESIONS. Identifiers: Orphanet 53697, MedGen C1833736, MONDO:0008151, OMIM 166260.
Autosomal recessive limb-girdle muscular dystrophy type 2L (LGMDR12). Also called: Limb-girdle muscular dystrophy, type 2L; Limb-Girdle Muscular Dystrophy R12 Anoctamin-5-Related (LGMD-R12); MUSCULAR DYSTROPHY, LIMB-GIRDLE, AUTOSOMAL RECESSIVE 12. Identifiers: Orphanet 206549, MedGen C1969785, MONDO:0012652, OMIM 611307.

Submission:

Labcorp Genetics (formerly Invitae), Labcorp
Classification: Uncertain significance for Autosomal recessive limb-girdle muscular dystrophy type 2L; Gnathodiaphyseal dysplasia. Last evaluated: 2023-12-08. Review status: criteria provided, single submitter. Criteria: Invitae Variant Classification Sherloc (09022015). Collection method: clinical testing. Allele origin: germline.
Comment: This sequence change replaces phenylalanine, which is neutral and non-polar, with valine, which is neutral and non-polar, at codon 686 of the ANO5 protein (p.Phe686Val). This variant is not present in population databases (gnomAD no frequency). This variant has not been reported in the literature in individuals affected with ANO5-related conditions. ClinVar contains an entry for this variant (Variation ID: 536725). Advanced modeling of protein sequence and biophysical properties (such as structural, functional, and spatial information, amino acid conservation, physicochemical variation, residue mobility, and thermodynamic stability) performed at Invitae indicates that this missense variant is expected to disrupt ANO5 protein function with a positive predictive value of 95%. In summary, the available evidence is currently insufficient to determine the role of this variant in disease. Therefore, it has been classified as a Variant of Uncertain Significance.